The following is an entry in ClinVar:

NM_017777.4(MKS1):c.1590G>T (p.Glu530Asp)

Gene: MKS1 (MKS transition zone complex subunit 1; minus strand). Cytogenetic location: 17q22.
Variant type: single nucleotide variant.
Coding change: c.1590G>T on transcript NM_017777.4 (MANE Select); coding-DNA position 1590, G replaced by T.
Protein change: p.Glu530Asp; replaces glutamic acid 530 with aspartic acid.
Molecular consequence: missense variant. On other transcripts: 3 prime UTR variant (1).
Genome position (GRCh38, 1-based): chr17:58,206,169, C>A on the plus strand (G>T on the coding strand, the complement: MKS1 is on the minus strand). VCF-style: chr17-58206169-C-A. GRCh37 (hg19) VCF-style: chr17-56283530-C-A.
Other names: c.981G>T, p.Glu327Asp (NM_001321268.2); c.1507G>T, p.Gly503Cys (NM_001321269.2); c.*2G>T (NM_001330397.2); c.1590G>T (NM_017777.3); short protein forms E530D, E327D, G503C.
Identifiers: ClinVar variation 598531 (VCV000598531.11), dbSNP rs767250536, ClinGen allele CA8669069.
Genomic context (GRCh38, chr17:58,206,169, plus strand): 5'-TAGGTCCTGCGGGAGGCTTTCCCGGGCCTCCTGCATGCGGCGCCGGGCTCGACGGAAGGC[C>A]TCTGTAAGGAAAGGAGATATGCTATTTGGCTGCCATATGGTATTTCTCTCTGCACTGCAG-3'
Protein context (NP_060247.2, residues 520-540): SQQSSIHNVL[Glu530Asp]AFRRARRRMQ

ClinVar aggregate classification (germline): Uncertain significance. Review status: criteria provided, multiple submitters, no conflicts (2 of 4 stars). 5 submissions from 5 submitters: Uncertain significance (4). 1 of the submissions does not count toward it. Last evaluated 2024-03-07.

Conditions:
Meckel syndrome, type 1 (MKS1). Also called: MECKEL-GRUBER SYNDROME, TYPE 1. Identifiers: Orphanet 564, MedGen C3714506, MONDO:0009571, OMIM 249000.
Bardet-Biedl syndrome 13 (BBS13). Identifiers: Orphanet 110, MedGen C2673873, MONDO:0014441, OMIM 615990.
Joubert syndrome 28 (JBTS28). Identifiers: MedGen C4310705, MONDO:0014928, OMIM 617121.
MKS1-related disorder. Also called: MKS1-related condition; MKS1-related disorders. Identifiers: MedGen CN239382.
Inborn genetic diseases. Identifiers: MedGen C0950123, MeSH D030342.
Joubert syndrome. Also called: Familial aplasia of the vermis; JOUBERT-BOLTSHAUSER SYNDROME. Identifiers: Orphanet 475, MedGen C5979921, MONDO:0018772.
Meckel-Gruber syndrome. Also called: DYSENCEPHALIA SPLANCHNOCYSTICA; GRUBER SYNDROME; Dysencephalia splachnocystica. Identifiers: Orphanet 564, MedGen C0265215, MONDO:0018921.

Allele frequency attached by ClinVar (database versions not stated): ExAC 0.00001; gnomAD 0.00001; gnomAD exomes 0.00001 and 0.00006; TOPMed 0.00001.

Submissions (5):

Fulgent Genetics
Classification: Uncertain significance for Meckel syndrome, type 1; Bardet-Biedl syndrome 13; Joubert syndrome 28. Last evaluated: 2024-03-07. Review status: criteria provided, single submitter. Criteria: ACMG Guidelines, 2015. Collection method: clinical testing. Allele origin: germline.

Ambry Genetics
Classification: Uncertain significance for Inborn genetic diseases. Last evaluated: 2023-06-12. Review status: criteria provided, single submitter. Criteria: Ambry Variant Classification Scheme 2023. Collection method: clinical testing. Allele origin: germline.

Labcorp Genetics (formerly Invitae), Labcorp
Classification: Uncertain significance for Joubert syndrome; Meckel-Gruber syndrome. Last evaluated: 2022-07-26. Review status: criteria provided, single submitter. Criteria: Invitae Variant Classification Sherloc (09022015). Collection method: clinical testing. Allele origin: germline.
Comment: This sequence change replaces glutamic acid, which is acidic and polar, with aspartic acid, which is acidic and polar, at codon 530 of the MKS1 protein (p.Glu530Asp). This variant is present in population databases (rs767250536, gnomAD 0.002%). This variant has not been reported in the literature in individuals affected with MKS1-related conditions. ClinVar contains an entry for this variant (Variation ID: 598531). Algorithms developed to predict the effect of missense changes on protein structure and function (SIFT, PolyPhen-2, Align-GVGD) all suggest that this variant is likely to be tolerated. Algorithms developed to predict the effect of sequence changes on RNA splicing suggest that this variant may disrupt the consensus splice site. In summary, the available evidence is currently insufficient to determine the role of this variant in disease. Therefore, it has been classified as a Variant of Uncertain Significance.

Eurofins Ntd Llc (ga)
Classification: Uncertain significance. Last evaluated: 2018-08-27. Review status: criteria provided, single submitter. Criteria: EGL ClinVar v180209 classification definitions. Collection method: clinical testing. Allele origin: germline. Observed: 1 variant allele, 1 heterozygote.

PreventionGenetics, part of Exact Sciences
Classification: Uncertain significance for MKS1-related condition. Last evaluated: 2023-12-11. Review status: no assertion criteria provided. Collection method: clinical testing. Allele origin: germline. Not counted in ClinVar's aggregate classification.
Comment: The MKS1 c.1590G>T variant is predicted to result in the amino acid substitution p.Glu530Asp. To our knowledge, this variant has not been reported in the literature. This variant is reported in 0.0023% of alleles in individuals of European (Non-Finnish) descent in gnomAD. At this time, the clinical significance of this variant is uncertain due to the absence of conclusive functional and genetic evidence.